The following is an entry in ClinVar:

NM_005732.4(RAD50):c.2458G>C (p.Asp820His)

Gene: RAD50 (RAD50 double strand break repair protein; plus strand). Cytogenetic location: 5q31.1.
Variant type: single nucleotide variant.
Coding change: c.2458G>C on transcript NM_005732.4 (MANE Select); coding-DNA position 2458, G replaced by C.
Protein change: p.Asp820His; replaces aspartic acid 820 with histidine.
Molecular consequence: missense variant.
Genome position (GRCh38, 1-based): chr5:132,603,980, G>C. VCF-style: chr5-132603980-G-C. GRCh37 (hg19) VCF-style: chr5-131939672-G-C.
Other names: short protein forms D820H.
Identifiers: ClinVar variation 3786287 (VCV003786287.1).

ClinVar aggregate classification (germline): Uncertain significance (1 of 4 stars; one submission).

Conditions:
Hereditary cancer-predisposing syndrome. Also called: Neoplastic Syndromes, Hereditary; Hereditary Cancer Syndrome; Tumor predisposition; Hereditary neoplastic syndrome. Identifiers: Orphanet 140162, MedGen C0027672, MeSH D009386, MONDO:0015356.

Submission:

Ambry Genetics
Classification: Uncertain significance for Hereditary cancer-predisposing syndrome. Last evaluated: 2024-12-20. Review status: criteria provided, single submitter. Criteria: Ambry Variant Classification Scheme 2023. Collection method: clinical testing. Allele origin: germline.
Comment: The p.D820H variant (also known as c.2458G>C), located in coding exon 15 of the RAD50 gene, results from a G to C substitution at nucleotide position 2458. The aspartic acid at codon 820 is replaced by histidine, an amino acid with similar properties. This amino acid position is conserved. In addition, the in silico prediction for this alteration is inconclusive. Based on the available evidence, the clinical significance of this variant remains unclear.